The following is an entry in ClinVar:

NM_001165963.4(SCN1A):c.388T>C (p.Phe130Leu)

Gene: SCN1A (sodium voltage-gated channel alpha subunit 1; minus strand). Cytogenetic location: 2q24.3.
Variant type: single nucleotide variant.
Coding change: c.388T>C on transcript NM_001165963.4 (MANE Select); coding-DNA position 388, T replaced by C.
Protein change: p.Phe130Leu; replaces phenylalanine 130 with leucine.
Molecular consequence: missense variant. On other transcripts: 5 prime UTR variant (1), non-coding transcript variant (1).
Genome position (GRCh38, 1-based): chr2:166,056,496, A>G on the plus strand (T>C on the coding strand, the complement: SCN1A is on the minus strand). VCF-style: chr2-166056496-A-G. GRCh37 (hg19) VCF-style: chr2-166913006-A-G.
Other names: c.388T>C, p.Phe130Leu (NM_001165964.3, NM_001202435.3, NM_001353948.2 and 10 more transcripts); c.-2038T>C (NM_001353961.2); short protein forms F130L.
Identifiers: ClinVar variation 4072230 (VCV004072230.1).

ClinVar aggregate classification (germline): Uncertain significance (1 of 4 stars; one submission).

Conditions:
Severe myoclonic epilepsy in infancy (DRVT). Also called: SEVERE MYOCLONIC EPILEPSY OF INFANCY; DEVELOPMENTAL AND EPILEPTIC ENCEPHALOPATHY 6A; Severe Myoclonic Epilepsy in Infancy (SMEI); Dravet syndrome; Epileptic encephalopathy, early infantile, 6 (Dravet syndrome). Identifiers: Orphanet 33069, MedGen C0751122, MONDO:0100135, OMIM 607208.

Submission:

MVZ Medizinische Genetik Mainz
Classification: Uncertain significance for Severe myoclonic epilepsy in infancy. Last evaluated: 2025-07-01. Review status: criteria provided, single submitter. Criteria: UK Practice Guidelines For Variant Classification V4 01 2020. Collection method: clinical testing. Allele origin: germline. Inheritance: Autosomal dominant inheritance. Affected: yes. Observed: 1 variant allele.
Comment: ACMG Criteria: PP3_MOD,PM2_SUP